The following is an entry in ClinVar:

NM_001282112.2(TOP3B):c.943+10G>T

Gene: TOP3B (DNA topoisomerase III beta; minus strand). Cytogenetic location: 22q11.22.
Variant type: single nucleotide variant.
Coding change: c.943+10G>T on transcript NM_001282112.2 (MANE Select); 10 bases into the intron after coding-DNA position 943, G replaced by T.
Molecular consequence: intron variant.
Genome position (GRCh38, 1-based): chr22:21,965,275, C>A on the plus strand (G>T on the coding strand, the complement: TOP3B is on the minus strand). VCF-style: chr22-21965275-C-A. GRCh37 (hg19) VCF-style: chr22-22319647-C-A.
Other names: c.943+10G>T (NM_001282113.2, NM_001349847.2, NM_001349845.2 and 1 more transcripts); c.535+10G>T (NM_001349848.2, NM_001349851.2, NM_001349850.2 and 1 more transcripts).
Identifiers: ClinVar variation 4991318 (VCV004991318.1).

ClinVar aggregate classification (germline): Uncertain significance (1 of 4 stars; one submission).

Conditions:
TOP3B-related disorder. Also called: TOP3B-related condition.

gnomAD v4.1: 1 of 1,575,482 alleles (0.000063%); highest among the groups gnomAD compares: Non-Finnish European, 0.000086%; no homozygotes.

Submission:

PreventionGenetics, part of Exact Sciences
Classification: Uncertain significance for TOP3B-related condition. Last evaluated: 2026-01-30. Review status: criteria provided, single submitter. Criteria: ACMG Guidelines, 2015. Collection method: clinical testing. Allele origin: germline.
Comment: The TOP3B c.943+10G>T variant is predicted to interfere with splicing. To our knowledge, this variant has not been reported in the literature or in a large population database (gnomAD), indicating this variant is rare. However, the use of computer prediction programs is not equivalent to functional evidence, and therefore the clinical significance of this variant is uncertain.